The following is an entry in ClinVar:

ClinVar aggregate classification (germline): Likely benign (0 of 4 stars; one submission).

Conditions:
BDP1-related disorder. Also called: BDP1-related condition.

gnomAD v4.1: 695 of 1,613,964 alleles (0.043%); highest among the groups gnomAD compares: Middle Eastern, 0.33%; 1 homozygote.

Submission:

PreventionGenetics, part of Exact Sciences
Classification: Likely benign for BDP1-related condition. Last evaluated: 2024-05-15. Review status: no assertion criteria provided. Collection method: clinical testing. Allele origin: germline.
Comment: This variant is classified as likely benign based on ACMG/AMP sequence variant interpretation guidelines (Richards et al. 2015 PMID: 25741868, with internal and published modifications).

NM_018429.3(BDP1):c.7294A>G (p.Thr2432Ala)

Gene: BDP1 (BDP1 general transcription factor IIIB subunit; plus strand). Cytogenetic location: 5q13.2.
Variant type: single nucleotide variant.
Coding change: c.7294A>G on transcript NM_018429.3 (MANE Select); coding-DNA position 7294, A replaced by G.
Protein change: p.Thr2432Ala; replaces threonine 2432 with alanine.
Molecular consequence: missense variant.
Genome position (GRCh38, 1-based): chr5:71,560,035, A>G. VCF-style: chr5-71560035-A-G. GRCh37 (hg19) VCF-style: chr5-70855862-A-G.
Other names: short protein forms T2432A.
Identifiers: ClinVar variation 3350516 (VCV003350516.1).